The following is an entry in ClinVar:

ClinVar aggregate classification (germline): Uncertain significance (1 of 4 stars; one submission).

Conditions:
Charcot-Marie-Tooth disease type 4. Also called: Charcot-Marie-Tooth disease, type IV; Charcot-Marie-Tooth, Type 4. Identifiers: Orphanet 64749, MedGen C4082197, MONDO:0018995.

Allele frequency attached by ClinVar (database versions not stated): ExAC 0.00002; gnomAD exomes 0.00001.
gnomAD v4.1: 3 of 1,614,084 alleles (0.00019%); highest among the groups gnomAD compares: South Asian, 0.0011%; no homozygotes.

Submission:

Labcorp Genetics (formerly Invitae), Labcorp
Classification: Uncertain significance for Charcot-Marie-Tooth disease type 4. Last evaluated: 2021-08-31. Review status: criteria provided, single submitter. Criteria: Invitae Variant Classification Sherloc (09022015). Collection method: clinical testing. Allele origin: germline.
Comment: This sequence change replaces serine with leucine at codon 263 of the NDRG1 protein (p.Ser263Leu). The serine residue is moderately conserved and there is a large physicochemical difference between serine and leucine. This variant is present in population databases (rs770044182, ExAC 0.006%). This variant has not been reported in the literature in individuals affected with NDRG1-related conditions. Algorithms developed to predict the effect of missense changes on protein structure and function are either unavailable or do not agree on the potential impact of this missense change (SIFT: "Deleterious"; PolyPhen-2: "Probably Damaging"; Align-GVGD: "Class C0"). In summary, the available evidence is currently insufficient to determine the role of this variant in disease. Therefore, it has been classified as a Variant of Uncertain Significance.

NM_006096.4(NDRG1):c.788C>T (p.Ser263Leu)

Genes: NDRG1 (N-myc downstream regulated 1; minus strand), LOC126860531 (CDK7 strongly-dependent group 2 enhancer GRCh37_chr8:134259869-134261068; plus strand). Cytogenetic location: 8q24.22.
Variant type: single nucleotide variant.
Coding change: c.788C>T on transcript NM_006096.4 (MANE Select); coding-DNA position 788, C replaced by T.
Protein change: p.Ser263Leu; replaces serine 263 with leucine.
Molecular consequence: missense variant.
Genome position (GRCh38, 1-based): chr8:133,247,894, G>A on the plus strand (C>T on the coding strand, the complement: NDRG1 is on the minus strand). VCF-style: chr8-133247894-G-A. GRCh37 (hg19) VCF-style: chr8-134260137-G-A.
Other names: c.788C>T, p.Ser263Leu (NM_001135242.2, NM_001374845.1, NM_001374846.1); c.590C>T, p.Ser197Leu (NM_001258432.2, NM_001374847.1); c.545C>T, p.Ser182Leu (NM_001258433.2); c.839C>T, p.Ser280Leu (NM_001374844.1); short protein forms S182L, S197L, S263L, S280L.
Identifiers: ClinVar variation 1394713 (VCV001394713.5), dbSNP rs770044182, ClinGen allele CA4886587.